The following is an entry in ClinVar:

NM_015512.5(DNAH1):c.1927G>A (p.Gly643Ser)

Gene: DNAH1 (dynein axonemal heavy chain 1; plus strand). Cytogenetic location: 3p21.1.
Variant type: single nucleotide variant.
Coding change: c.1927G>A on transcript NM_015512.5 (MANE Select); coding-DNA position 1927, G replaced by A.
Protein change: p.Gly643Ser; replaces glycine 643 with serine.
Molecular consequence: missense variant.
Genome position (GRCh38, 1-based): chr3:52,346,742, G>A. VCF-style: chr3-52346742-G-A. GRCh37 (hg19) VCF-style: chr3-52380758-G-A.
Other names: short protein forms G643S.
Identifiers: ClinVar variation 3761076 (VCV003761076.2).

ClinVar aggregate classification (germline): Uncertain significance (1 of 4 stars; one submission).

Conditions:
Spermatogenic failure 18. Identifiers: MedGen C4539783, MONDO:0054615, OMIM 617576.
Ciliary dyskinesia, primary, 37 (CILD37). Also called: CILIARY DYSKINESIA, PRIMARY, 37, WITH OR WITHOUT SITUS INVERSUS. Identifiers: MedGen C4539798, MONDO:0033204, OMIM 617577.

gnomAD v4.1: 2 of 1,607,860 alleles (0.00012%); highest among the groups gnomAD compares: Non-Finnish European, 0.000085%; no homozygotes.

Submission:

Labcorp Genetics (formerly Invitae), Labcorp
Classification: Uncertain significance for Ciliary dyskinesia, primary, 37; Spermatogenic failure 18. Last evaluated: 2024-10-12. Review status: criteria provided, single submitter. Criteria: Invitae Variant Classification Sherloc (09022015). Collection method: clinical testing. Allele origin: germline.
Comment: This sequence change replaces glycine, which is neutral and non-polar, with serine, which is neutral and polar, at codon 643 of the DNAH1 protein (p.Gly643Ser). This variant is not present in population databases (gnomAD no frequency). This variant has not been reported in the literature in individuals affected with DNAH1-related conditions. An algorithm developed to predict the effect of missense changes on protein structure and function (PolyPhen-2) suggests that this variant is likely to be tolerated. In summary, the available evidence is currently insufficient to determine the role of this variant in disease. Therefore, it has been classified as a Variant of Uncertain Significance.